The following is an entry in ClinVar:

NM_001852.4(COL9A2):c.572T>C (p.Val191Ala)

Gene: COL9A2 (collagen type IX alpha 2 chain; minus strand). Cytogenetic location: 1p34.2.
Variant type: single nucleotide variant.
Coding change: c.572T>C on transcript NM_001852.4 (MANE Select); coding-DNA position 572, T replaced by C.
Protein change: p.Val191Ala; replaces valine 191 with alanine.
Molecular consequence: missense variant.
Genome position (GRCh38, 1-based): chr1:40,311,234, A>G on the plus strand (T>C on the coding strand, the complement: COL9A2 is on the minus strand). VCF-style: chr1-40311234-A-G. GRCh37 (hg19) VCF-style: chr1-40776906-A-G.
Other names: c.572T>C (NM_001852.3); short protein forms V191A.
Identifiers: ClinVar variation 3677033 (VCV003677033.4).

ClinVar aggregate classification (germline): Uncertain significance. Review status: criteria provided, multiple submitters, no conflicts (2 of 4 stars). 3 submissions from 3 submitters: Uncertain significance (3). Last evaluated 2026-04-20.

Conditions:
Inborn genetic diseases. Identifiers: MedGen C0950123, MeSH D030342.

Submissions (3):

Ambry Genetics
Classification: Uncertain significance for Inborn genetic diseases. Last evaluated: 2026-04-20. Review status: criteria provided, single submitter. Criteria: Ambry Variant Classification Scheme 2023. Collection method: clinical testing. Allele origin: germline.

GeneDx
Classification: Uncertain significance. Last evaluated: 2025-06-11. Review status: criteria provided, single submitter. Criteria: GeneDx Variant Classification Process June 2021. Collection method: clinical testing. Allele origin: germline. Affected: yes.
Comment: Not observed at significant frequency in large population cohorts (gnomAD); In silico analysis suggests that this missense variant does not alter protein structure/function; Has not been previously published as pathogenic or benign to our knowledge

Labcorp Genetics (formerly Invitae), Labcorp
Classification: Uncertain significance. Last evaluated: 2025-01-01. Review status: criteria provided, single submitter. Criteria: Invitae Variant Classification Sherloc (09022015). Collection method: clinical testing. Allele origin: germline.
Comment: This sequence change replaces valine, which is neutral and non-polar, with alanine, which is neutral and non-polar, at codon 191 of the COL9A2 protein (p.Val191Ala). This variant is not present in population databases (gnomAD no frequency). This variant has not been reported in the literature in individuals affected with COL9A2-related conditions. Invitae Evidence Modeling of protein sequence and biophysical properties (such as structural, functional, and spatial information, amino acid conservation, physicochemical variation, residue mobility, and thermodynamic stability) indicates that this missense variant is not expected to disrupt COL9A2 protein function with a negative predictive value of 95%. In summary, the available evidence is currently insufficient to determine the role of this variant in disease. Therefore, it has been classified as a Variant of Uncertain Significance.